The following is an entry in ClinVar:

NM_031471.6(FERMT3):c.558G>A (p.Ser186=)

Gene: FERMT3 (FERM domain containing kindlin 3; plus strand). Cytogenetic location: 11q13.1.
Variant type: single nucleotide variant.
Coding change: c.558G>A on transcript NM_031471.6 (MANE Select); coding-DNA position 558, G replaced by A.
Protein change: p.Ser186=; no amino-acid change (serine 186 retained).
Molecular consequence: synonymous variant.
Genome position (GRCh38, 1-based): chr11:64,211,318, G>A. VCF-style: chr11-64211318-G-A. GRCh37 (hg19) VCF-style: chr11-63978790-G-A.
Other names: c.558G>A, p.Ser186= (NM_001382361.1, NM_001382362.1, NM_001382448.1 and 1 more transcripts); c.18G>A, p.Ser6= (NM_001382363.1, NM_001382364.1).
Identifiers: ClinVar variation 625946 (VCV000625946.2), dbSNP rs747094642, ClinGen allele CA6068812.
Genomic context (GRCh38, chr11:64,211,318, plus strand): 5'-CCCAACCTGCACTCCAGGCGTGGCACCTGCACTGTTCCGGGGGATGCCAGCTCACTTCTC[G>A]GACAGCGCCCAGACTGAGGCCTGCTACCACATGCTGAGCCGGCCCCAGCCGCCACCCGAC-3'
Protein context (NP_113659.3, residues 176-196): ALFRGMPAHF[Ser186=]DSAQTEACYH

ClinVar aggregate classification (germline): Uncertain significance (1 of 4 stars; one submission).

Conditions:
Leukocyte adhesion deficiency 3. Also called: INTEGRIN ACTIVATION DEFICIENCY DISEASE; LEUKOCYTE ADHESION DEFICIENCY 1 VARIANT; Leukocyte adhesion deficiency, type III. Identifiers: Orphanet 2968, Orphanet 99844, MedGen C2748536, MONDO:0013016, OMIM 612840.

Allele frequency attached by ClinVar (database versions not stated): ExAC 0.00001; gnomAD 0.00002 and 0.00003; gnomAD exomes 0.00002 and 0.00003; TOPMed 0.00003.
gnomAD v4.1: 45 of 1,613,200 alleles (0.0028%); highest among the groups gnomAD compares: South Asian, 0.0044%; no homozygotes.

Submission:

Center for Genomics, Ann and Robert H. Lurie Children's Hospital of Chicago
Classification: Uncertain significance for Leukocyte adhesion deficiency 3. Last evaluated: 2021-03-30. Review status: criteria provided, single submitter. Criteria: ACMG Guidelines, 2015. Collection method: clinical testing. Allele origin: germline.
Comment: FERMT3 NM_031471.5 exon 4 p.Ser186= (c.558G>A): This variant has not been reported in the literature but is present in 6/124260 European alleles in the Genome Aggregation Database. Evolutionary conservation and computational predictive tools for this variant are limited or unavailable. Of note, this variant is a silent variant and does not change the amino acid, reducing the probability that this variant is disease causing. In summary, data on this variant is insufficient for disease classification. Therefore, the clinical significance of this variant is uncertain.